The following is an entry in ClinVar:

ClinVar aggregate classification (germline): Uncertain significance (1 of 4 stars; one submission).

Conditions:
Leukodystrophy, hypomyelinating, 6. Also called: LEUKODYSTROPHY, HYPOMYELINATING, WITH ATROPHY OF THE BASAL GANGLIA AND CEREBELLUM; Hypomyelination with Atrophy of Basal Ganglia and Cerebellum (H-ABC); TUBB4A-Associated Leukodystrophy. Identifiers: Orphanet 139441, MedGen C2676244, MONDO:0012905, OMIM 612438.

Allele frequency attached by ClinVar (database versions not stated): gnomAD exomes below 0.00001.
gnomAD v4.1: 5 of 1,614,198 alleles (0.00031%); highest among the groups gnomAD compares: South Asian, 0.0011%; no homozygotes.

Submission:

Diagnostics Services (NGS), CSIR - Centre For Cellular And Molecular Biology
Classification: Uncertain significance for Leukodystrophy, hypomyelinating, 6. Last evaluated: 2022-02-03. Review status: criteria provided, single submitter. Criteria: ACMG Guidelines, 2015. Collection method: clinical testing. Allele origin: unknown. Inheritance: Autosomal dominant inheritance. Affected: yes. Observed: 1 variant allele, 1 heterozygote.
Comment: The c.362G>A variant is not present in publicly available population databases like 1000 Genomes, Exome Variant Server (EVS), Exome Aggregation Consortium (ExAC) and Indian Exome Database. The heterozygous state of the variant is present in Genome Aggregation Database (gnomAD) and dbSNP at a very low frequency. The variant is also not present in our in-house exome database. The variant was not reported previously to ClinVar, Human Genome Mutation Database (HGMD) and/or OMIM databases in any affected individuals. In-silico pathogenicity prediction programs like SIFT, PolyPhen-2, MutationTaster2, CADD, Varsome, InterVar etc. predicted this variant to be likely deleterious, however these predictions were not confirmed by any established functional studies.

Literature cited by the submitters: PubMed 23582646.

NM_006087.4(TUBB4A):c.362G>A (p.Arg121Gln)

Gene: TUBB4A (tubulin beta 4A class IVa; minus strand). Cytogenetic location: 19p13.3.
Variant type: single nucleotide variant.
Coding change: c.362G>A on transcript NM_006087.4 (MANE Select); coding-DNA position 362, G replaced by A.
Protein change: p.Arg121Gln; replaces arginine 121 with glutamine.
Molecular consequence: missense variant.
Genome position (GRCh38, 1-based): chr19:6,496,137, C>T on the plus strand (G>A on the coding strand, the complement: TUBB4A is on the minus strand). VCF-style: chr19-6496137-C-T. GRCh37 (hg19) VCF-style: chr19-6496148-C-T.
Other names: c.515G>A, p.Arg172Gln (NM_001289123.2); c.497G>A, p.Arg166Gln (NM_001289127.2); c.362G>A, p.Arg121Gln (NM_001289129.2); c.146G>A, p.Arg49Gln (NM_001289130.2, NM_001289131.2); short protein forms R121Q, R166Q, R172Q, R49Q.
Identifiers: ClinVar variation 1691278 (VCV001691278.4), dbSNP rs1472127260, ClinGen allele CA403592648.